The following is an entry in ClinVar:

ClinVar aggregate classification (germline): Uncertain significance (1 of 4 stars; one submission).

Submission:

Labcorp Genetics (formerly Invitae), Labcorp
Classification: Uncertain significance. Last evaluated: 2022-03-19. Review status: criteria provided, single submitter. Criteria: Invitae Variant Classification Sherloc (09022015). Collection method: clinical testing. Allele origin: germline.
Comment: In summary, the available evidence is currently insufficient to determine the role of this variant in disease. Therefore, it has been classified as a Variant of Uncertain Significance. Algorithms developed to predict the effect of missense changes on protein structure and function are either unavailable or do not agree on the potential impact of this missense change (SIFT: "Deleterious"; PolyPhen-2: "Not Available"; Align-GVGD: "Class C0"). This variant has not been reported in the literature in individuals affected with PCLO-related conditions. This variant is not present in population databases (gnomAD no frequency). This sequence change replaces serine, which is neutral and polar, with proline, which is neutral and non-polar, at codon 4409 of the PCLO protein (p.Ser4409Pro).

NM_033026.6(PCLO):c.13225T>C (p.Ser4409Pro)

Gene: PCLO (piccolo presynaptic cytomatrix protein; minus strand). Cytogenetic location: 7q21.11.
Variant type: single nucleotide variant.
Coding change: c.13225T>C on transcript NM_033026.6 (MANE Select); coding-DNA position 13225, T replaced by C.
Protein change: p.Ser4409Pro; replaces serine 4409 with proline.
Molecular consequence: missense variant.
Genome position (GRCh38, 1-based): chr7:82,914,761, A>G on the plus strand (T>C on the coding strand, the complement: PCLO is on the minus strand). VCF-style: chr7-82914761-A-G. GRCh37 (hg19) VCF-style: chr7-82544077-A-G.
Other names: c.13225T>C, p.Ser4409Pro (NM_014510.3); short protein forms S4409P.
Identifiers: ClinVar variation 1397887 (VCV001397887.8), dbSNP rs759401696, ClinGen allele CA367883618.